The following is an entry in ClinVar:

ClinVar aggregate classification (germline): Uncertain significance. Review status: criteria provided, multiple submitters, no conflicts (2 of 4 stars). 2 submissions from 2 submitters: Uncertain significance (2). Last evaluated 2025-10-12.

Conditions:
Hereditary cancer-predisposing syndrome. Also called: Hereditary Cancer Syndrome; Tumor predisposition; Neoplastic Syndromes, Hereditary; Hereditary neoplastic syndrome. Identifiers: Orphanet 140162, MedGen C0027672, MeSH D009386, MONDO:0015356.

Allele frequency attached by ClinVar (database versions not stated): gnomAD exomes below 0.00001.
gnomAD v4.1: 3 of 1,608,114 alleles (0.00019%); highest among the groups gnomAD compares: East Asian, 0.0067%; no homozygotes.

Submissions (2):

Labcorp Genetics (formerly Invitae), Labcorp
Classification: Uncertain significance. Last evaluated: 2025-10-12. Review status: criteria provided, single submitter. Criteria: Invitae Variant Classification Sherloc (09022015). Collection method: clinical testing. Allele origin: germline.
Comment: This sequence change replaces valine, which is neutral and non-polar, with isoleucine, which is neutral and non-polar, at codon 800 of the MSH3 protein (p.Val800Ile). This variant is not present in population databases (gnomAD no frequency). This variant has not been reported in the literature in individuals affected with MSH3-related conditions. ClinVar contains an entry for this variant (Variation ID: 2121736). An algorithm developed to predict the effect of missense changes on protein structure and function outputs the following: PolyPhen-2: "Benign". The isoleucine amino acid residue is found in multiple mammalian species, which suggests that this missense change does not adversely affect protein function. In summary, the available evidence is currently insufficient to determine the role of this variant in disease. Therefore, it has been classified as a Variant of Uncertain Significance.

Ambry Genetics
Classification: Uncertain significance for Hereditary cancer-predisposing syndrome. Last evaluated: 2023-04-03. Review status: criteria provided, single submitter. Criteria: Ambry Variant Classification Scheme 2023. Collection method: clinical testing. Allele origin: germline.
Comment: The p.V800I variant (also known as c.2398G>A), located in coding exon 17 of the MSH3 gene, results from a G to A substitution at nucleotide position 2398. The valine at codon 800 is replaced by isoleucine, an amino acid with highly similar properties. This amino acid position is conserved. In addition, this alteration is predicted to be tolerated by in silico analysis. Since supporting evidence is limited at this time, the clinical significance of this alteration remains unclear.

NM_002439.5(MSH3):c.2398G>A (p.Val800Ile)

Gene: MSH3 (mutS homolog 3; plus strand). Cytogenetic location: 5q14.1.
Variant type: single nucleotide variant.
Coding change: c.2398G>A on transcript NM_002439.5 (MANE Select); coding-DNA position 2398, G replaced by A.
Protein change: p.Val800Ile; replaces valine 800 with isoleucine.
Molecular consequence: missense variant.
Genome position (GRCh38, 1-based): chr5:80,778,799, G>A. VCF-style: chr5-80778799-G-A. GRCh37 (hg19) VCF-style: chr5-80074618-G-A.
Other names: c.2398G>A (NM_002439.3); short protein forms V800I.
Identifiers: ClinVar variation 2121736 (VCV002121736.6), dbSNP rs2112007912, ClinGen allele CA360281859.